The following is an entry in ClinVar:

ClinVar aggregate classification (germline): Pathogenic. Review status: criteria provided, multiple submitters, no conflicts (2 of 4 stars). 3 submissions from 3 submitters: Pathogenic (2). 1 of the submissions does not count toward it. Last evaluated 2024-01-19.

Conditions:
Retinal dystrophy. Also called: Inherited retinal dystrophy. Identifiers: Orphanet 71862, MedGen C0854723, MeSH D058499, MONDO:0019118, HP:0000556.
Isolated microphthalmia 5. Also called: Posterior Microphthalmia with Retinitis Pigmentosa, Foveoschisis, and Optic Disc Drusen. Identifiers: Orphanet 251279, MedGen C1970236, MONDO:0012605, OMIM 611040.

Allele frequency attached by ClinVar (database versions not stated): TOPMed 0.00001.

Submissions (3):

Labcorp Genetics (formerly Invitae), Labcorp
Classification: Pathogenic for Isolated microphthalmia 5. Last evaluated: 2024-01-19. Review status: criteria provided, single submitter. Criteria: Invitae Variant Classification Sherloc (09022015). Collection method: clinical testing. Allele origin: germline.
Comment: This sequence change creates a premature translational stop signal (p.Gln319*) in the MFRP gene. It is expected to result in an absent or disrupted protein product. Loss-of-function variants in MFRP are known to be pathogenic (PMID: 12140190, 15976030, 20361016). This variant is not present in population databases (gnomAD no frequency). This premature translational stop signal has been observed in individual(s) with microphthalmia and retinal dystrophy (PMID: 28041643, 31992737). ClinVar contains an entry for this variant (Variation ID: 438224). Algorithms developed to predict the effect of sequence changes on RNA splicing suggest that this variant may disrupt the consensus splice site. For these reasons, this variant has been classified as Pathogenic.

Eurofins Ntd Llc (ga)
Classification: Pathogenic. Last evaluated: 2018-03-09. Review status: criteria provided, single submitter. Criteria: EGL ClinVar v180209 classification definitions. Collection method: clinical testing. Allele origin: germline. Observed: 1 variant allele, 1 heterozygote.

NIHR Bioresource Rare Diseases, University of Cambridge
Classification: Likely pathogenic for Retinal dystrophy. Last evaluated: 2015-01-01. Review status: no assertion criteria provided. Collection method: research. Allele origin: unknown. Affected: yes. Observed: 1 variant allele. Not counted in ClinVar's aggregate classification.

Literature cited by the submitters: PubMed 12140190 (cited by Labcorp Genetics (formerly Invitae), Labcorp); PubMed 15976030 (cited by Labcorp Genetics (formerly Invitae), Labcorp); PubMed 20361016 (cited by Labcorp Genetics (formerly Invitae), Labcorp); PubMed 28041643 (cited by Labcorp Genetics (formerly Invitae), Labcorp and NIHR Bioresource Rare Diseases, University of Cambridge); PubMed 31992737 (cited by Labcorp Genetics (formerly Invitae), Labcorp).

NM_031433.4(MFRP):c.955C>T (p.Gln319Ter)

Genes: C1QTNF5 (C1q and TNF related 5; minus strand), MFRP (membrane frizzled-related protein; minus strand). Cytogenetic location: 11q23.3.
Variant type: single nucleotide variant.
Coding change: c.955C>T on transcript NM_031433.4 (MANE Select); coding-DNA position 955, C replaced by T.
Protein change: p.Gln319Ter; replaces glutamine 319 with a stop codon.
Molecular consequence: nonsense. On other transcripts: 5 prime UTR variant (1).
Genome position (GRCh38, 1-based): chr11:119,344,335, G>A on the plus strand (C>T on the coding strand, the complement: MFRP is on the minus strand). VCF-style: chr11-119344335-G-A. GRCh37 (hg19) VCF-style: chr11-119215045-G-A.
Other names: c.-1682C>T (NM_015645.5); short protein forms Q319*.
Identifiers: ClinVar variation 438224 (VCV000438224.13), dbSNP rs1555037395, ClinGen allele CA382975990.